The following is an entry in ClinVar:

NM_004655.4(AXIN2):c.1250C>A (p.Ala417Glu)

Gene: AXIN2 (axin 2; minus strand). Cytogenetic location: 17q24.1.
Variant type: single nucleotide variant.
Coding change: c.1250C>A on transcript NM_004655.4 (MANE Select); coding-DNA position 1250, C replaced by A.
Protein change: p.Ala417Glu; replaces alanine 417 with glutamic acid.
Molecular consequence: missense variant.
Genome position (GRCh38, 1-based): chr17:65,537,786, G>T on the plus strand (C>A on the coding strand, the complement: AXIN2 is on the minus strand). VCF-style: chr17-65537786-G-T. GRCh37 (hg19) VCF-style: chr17-63533904-G-T.
Other names: c.1250C>A, p.Ala417Glu (NM_001363813.1); short protein forms A417E.
Identifiers: ClinVar variation 2693588 (VCV002693588.3), dbSNP rs201460658, ClinGen allele CA400677878.

ClinVar aggregate classification (germline): Uncertain significance (1 of 4 stars; one submission).

Conditions:
Oligodontia-cancer predisposition syndrome. Also called: TOOTH AGENESIS-COLORECTAL CANCER SYNDROME. Identifiers: Orphanet 300576, MedGen C1837750, MONDO:0012075, OMIM 608615. Disease mechanism: loss of function.

Submission:

Labcorp Genetics (formerly Invitae), Labcorp
Classification: Uncertain significance for Oligodontia-cancer predisposition syndrome. Last evaluated: 2023-11-06. Review status: criteria provided, single submitter. Criteria: Invitae Variant Classification Sherloc (09022015). Collection method: clinical testing. Allele origin: germline.
Comment: This sequence change replaces alanine, which is neutral and non-polar, with glutamic acid, which is acidic and polar, at codon 417 of the AXIN2 protein (p.Ala417Glu). This variant is not present in population databases (gnomAD no frequency). This variant has not been reported in the literature in individuals affected with AXIN2-related conditions. Advanced modeling of protein sequence and biophysical properties (such as structural, functional, and spatial information, amino acid conservation, physicochemical variation, residue mobility, and thermodynamic stability) performed at Invitae indicates that this missense variant is not expected to disrupt AXIN2 protein function with a negative predictive value of 80%. In summary, the available evidence is currently insufficient to determine the role of this variant in disease. Therefore, it has been classified as a Variant of Uncertain Significance.